The following is an entry in ClinVar:

ClinVar aggregate classification (germline): Uncertain significance (1 of 4 stars; one submission).

Conditions:
Hereditary cancer-predisposing syndrome. Also called: Tumor predisposition; Hereditary Cancer Syndrome; Hereditary neoplastic syndrome; Neoplastic Syndromes, Hereditary. Identifiers: Orphanet 140162, MedGen C0027672, MeSH D009386, MONDO:0015356.

Submission:

Ambry Genetics
Classification: Uncertain significance for Hereditary cancer-predisposing syndrome. Last evaluated: 2016-02-09. Review status: criteria provided, single submitter. Criteria: Ambry Variant Classification Scheme 2023. Collection method: clinical testing. Allele origin: germline.
Comment: The p.E398V variant (also known as c.1193A>T), located in coding exon 9 of the SDHA gene, results from an A to T substitution at nucleotide position 1193. The glutamic acid at codon 398 is replaced by valine, an amino acid with dissimilar properties. This variant was not reported in population based cohorts in the following databases: Database of Single Nucleotide Polymorphisms (dbSNP), NHLBI Exome Sequencing Project (ESP), and 1000 Genomes Project. In the ESP, this variant was not observed in 6503 samples (13006 alleles) with coverage at this position. To date, this alteration has been detected with an allele frequency of approximately 0.01% (greater than 10000 alleles tested) in our clinical cohort. This amino acid position is highly conserved in available vertebrate species. In addition, this alteration is predicted to be deleterious by in silico analysis. Since supporting evidence is limited at this time, the clinical significance of this alteration remains unclear.

NM_004168.4(SDHA):c.1193A>T (p.Glu398Val)

Gene: SDHA (succinate dehydrogenase complex flavoprotein subunit A; plus strand). Cytogenetic location: 5p15.33.
Variant type: single nucleotide variant.
Coding change: c.1193A>T on transcript NM_004168.4 (MANE Select); coding-DNA position 1193, A replaced by T.
Protein change: p.Glu398Val; replaces glutamic acid 398 with valine.
Molecular consequence: missense variant.
Genome position (GRCh38, 1-based): chr5:235,272, A>T. VCF-style: chr5-235272-A-T. GRCh37 (hg19) VCF-style: chr5-235387-A-T.
Other names: c.1049A>T, p.Glu350Val (NM_001294332.2); c.1193A>T, p.Glu398Val (NM_001330758.2); short protein forms E398V, E350V.
Identifiers: ClinVar variation 486380 (VCV000486380.5), dbSNP rs1553999477, ClinGen allele CA359013642.